The following is an entry in ClinVar:

ClinVar aggregate classification (germline): Uncertain significance. Review status: criteria provided, multiple submitters, no conflicts (2 of 4 stars). 2 submissions from 2 submitters: Uncertain significance (2). Last evaluated 2022-05-12.

Conditions:
Autosomal recessive limb-girdle muscular dystrophy type 2J (LGMDR10). Also called: Limb-girdle muscular dystrophy, type 2J; MUSCULAR DYSTROPHY, LIMB-GIRDLE, AUTOSOMAL RECESSIVE 10. Identifiers: Orphanet 140922, MedGen C1837342, MONDO:0012127, OMIM 608807.
Dilated cardiomyopathy 1G (CMD1G). Identifiers: Orphanet 154, MedGen C1858763, MONDO:0011400, OMIM 604145.

Allele frequency attached by ClinVar (database versions not stated): gnomAD exomes below 0.00001; ExAC 0.00001; gnomAD 0.00001; TOPMed 0.00001.
gnomAD v4.1: 3 of 1,613,304 alleles (0.00019%); highest among the groups gnomAD compares: African/African-American, 0.0027%; no homozygotes.

Submissions (2):

GeneDx
Classification: Uncertain significance. Last evaluated: 2022-05-12. Review status: criteria provided, single submitter. Criteria: GeneDx Variant Classification Process June 2021. Collection method: clinical testing. Allele origin: germline. Affected: yes.
Comment: Not observed at significant frequency in large population cohorts (gnomAD); In silico analysis supports that this missense variant has a deleterious effect on protein structure/function; Missense variant in a gene in which most reported pathogenic variants are truncating/loss of function; Has not been previously published as pathogenic or benign to our knowledge

Labcorp Genetics (formerly Invitae), Labcorp
Classification: Uncertain significance for Dilated cardiomyopathy 1G; Autosomal recessive limb-girdle muscular dystrophy type 2J. Last evaluated: 2016-01-27. Review status: criteria provided, single submitter. Criteria: Invitae Variant Classification Sherloc (09022015). Collection method: clinical testing. Allele origin: germline.

NM_001267550.2(TTN):c.20696A>G (p.Glu6899Gly)

Gene: TTN (titin; minus strand). Cytogenetic location: 2q31.2.
Variant type: single nucleotide variant.
Coding change: c.20696A>G on transcript NM_001267550.2 (MANE Select); coding-DNA position 20696, A replaced by G.
Protein change: p.Glu6899Gly; replaces glutamic acid 6899 with glycine.
Molecular consequence: missense variant. On other transcripts: intron variant (3).
Genome position (GRCh38, 1-based): chr2:178,725,508, T>C on the plus strand (A>G on the coding strand, the complement: TTN is on the minus strand). VCF-style: chr2-178725508-T-C. GRCh37 (hg19) VCF-style: chr2-179590235-T-C.
Other names: c.20696A>G (NM_001267550.1); c.19745A>G, p.Glu6582Gly (NM_001256850.1); c.16964A>G, p.Glu5655Gly (NM_133378.4); c.13282+12574A>G (NM_003319.4); c.13858+12574A>G (NM_133437.4); c.13657+12574A>G (NM_133432.3); short protein forms E6899G, E6582G, E5655G.
Identifiers: ClinVar variation 238718 (VCV000238718.5), dbSNP rs777803266, ClinGen allele CA2001166.